The following is an entry in ClinVar:

NM_133497.4(KCNV2):c.1411A>T (p.Arg471Trp)

Gene: KCNV2 (potassium voltage-gated channel modifier subfamily V member 2; plus strand). Cytogenetic location: 9p24.2.
Variant type: single nucleotide variant.
Coding change: c.1411A>T on transcript NM_133497.4 (MANE Select); coding-DNA position 1411, A replaced by T.
Protein change: p.Arg471Trp; replaces arginine 471 with tryptophan.
Molecular consequence: missense variant.
Genome position (GRCh38, 1-based): chr9:2,729,500, A>T. VCF-style: chr9-2729500-A-T. GRCh37 (hg19) VCF-style: chr9-2729500-A-T.
Other names: short protein forms R471W.
Identifiers: ClinVar variation 954392 (VCV000954392.13), dbSNP rs1820027191, ClinGen allele CA372803395.

ClinVar aggregate classification (germline): Uncertain significance. Review status: criteria provided, multiple submitters, no conflicts (2 of 4 stars). 3 submissions from 3 submitters: Uncertain significance (3). Last evaluated 2022-10-02.

Conditions:
Cone dystrophy with supernormal rod response (CDSRR). Also called: CONE DYSTROPHY WITH SUPERNORMAL ROD RESPONSES. Identifiers: Orphanet 209932, MedGen C1835897, MONDO:0012475, OMIM 610356.

Allele frequency attached by ClinVar (database versions not stated): gnomAD exomes below 0.00001.

Submissions (3):

Revvity Omics, Revvity
Classification: Uncertain significance for Cone dystrophy with supernormal rod response. Last evaluated: 2022-10-02. Review status: criteria provided, single submitter. Criteria: ACMG Guidelines, 2015. Collection method: clinical testing. Allele origin: germline.

Blueprint Genetics
Classification: Uncertain significance. Last evaluated: 2021-01-18. Review status: criteria provided, single submitter. Criteria: ACMG Guidelines, 2015. Collection method: clinical testing. Allele origin: germline.

Labcorp Genetics (formerly Invitae), Labcorp
Classification: Uncertain significance. Last evaluated: 2019-09-07. Review status: criteria provided, single submitter. Criteria: Invitae Variant Classification Sherloc (09022015). Collection method: clinical testing. Allele origin: germline.
Comment: In summary, the available evidence is currently insufficient to determine the role of this variant in disease. Therefore, it has been classified as a Variant of Uncertain Significance. Algorithms developed to predict the effect of missense changes on protein structure and function are either unavailable or do not agree on the potential impact of this missense change (SIFT: "Deleterious"; PolyPhen-2: "Probably Damaging"; Align-GVGD: "Class C0"). This variant has not been reported in the literature in individuals with KCNV2-related conditions. This variant is not present in population databases (ExAC no frequency). This sequence change replaces arginine with tryptophan at codon 471 of the KCNV2 protein (p.Arg471Trp). The arginine residue is highly conserved and there is a moderate physicochemical difference between arginine and tryptophan.